The following is an entry in ClinVar:

ClinVar aggregate classification (germline): Uncertain significance. Review status: criteria provided, multiple submitters, no conflicts (2 of 4 stars). 2 submissions from 2 submitters: Uncertain significance (2). Last evaluated 2025-09-01.

Allele frequency attached by ClinVar (database versions not stated): gnomAD 0.00002; gnomAD exomes 0.00002 and 0.00009; TOPMed 0.00002.

Submissions (2):

Ambry Genetics
Classification: Uncertain significance. Last evaluated: 2025-09-01. Review status: criteria provided, single submitter. Criteria: Ambry Variant Classification Scheme 2023. Collection method: clinical testing. Allele origin: germline.

Labcorp Genetics (formerly Invitae), Labcorp
Classification: Uncertain significance. Last evaluated: 2024-02-07. Review status: criteria provided, single submitter. Criteria: Invitae Variant Classification Sherloc (09022015). Collection method: clinical testing. Allele origin: germline.
Comment: This sequence change replaces tyrosine, which is neutral and polar, with serine, which is neutral and polar, at codon 192 of the VAV1 protein (p.Tyr192Ser). This variant is present in population databases (no rsID available, gnomAD 0.006%). This variant has not been reported in the literature in individuals affected with VAV1-related conditions. ClinVar contains an entry for this variant (Variation ID: 1058835). An algorithm developed to predict the effect of missense changes on protein structure and function (PolyPhen-2) suggests that this variant is likely to be tolerated. In summary, the available evidence is currently insufficient to determine the role of this variant in disease. Therefore, it has been classified as a Variant of Uncertain Significance.

NM_005428.4(VAV1):c.575A>C (p.Tyr192Ser)

Gene: VAV1 (vav guanine nucleotide exchange factor 1; plus strand). Cytogenetic location: 19p13.3.
Variant type: single nucleotide variant.
Coding change: c.575A>C on transcript NM_005428.4 (MANE Select); coding-DNA position 575, A replaced by C.
Protein change: p.Tyr192Ser; replaces tyrosine 192 with serine.
Molecular consequence: missense variant. On other transcripts: intron variant (1).
Genome position (GRCh38, 1-based): chr19:6,822,435, A>C. VCF-style: chr19-6822435-A-C. GRCh37 (hg19) VCF-style: chr19-6822446-A-C.
Other names: c.575A>C, p.Tyr192Ser (NM_001258206.2); c.558+106A>C (NM_001258207.2); c.575A>C (NM_005428.2); short protein forms Y192S.
Identifiers: ClinVar variation 1058835 (VCV001058835.10), dbSNP rs1157170873, ClinGen allele CA403616098.